The following is an entry in ClinVar:

NM_003737.4(DCHS1):c.6988C>T (p.Arg2330Cys)

Gene: DCHS1 (dachsous cadherin-related 1; minus strand). Cytogenetic location: 11p15.4.
Variant type: single nucleotide variant.
Coding change: c.6988C>T on transcript NM_003737.4 (MANE Select); coding-DNA position 6988, C replaced by T.
Protein change: p.Arg2330Cys; replaces arginine 2330 with cysteine.
Molecular consequence: missense variant.
Genome position (GRCh38, 1-based): chr11:6,625,356, G>A on the plus strand (C>T on the coding strand, the complement: DCHS1 is on the minus strand). VCF-style: chr11-6625356-G-A. GRCh37 (hg19) VCF-style: chr11-6646587-G-A.
Other names: short protein forms R2330C.
Identifiers: ClinVar variation 217871 (VCV000217871.12), dbSNP rs768737101, ClinGen allele CA210361.
Genomic context (GRCh38, chr11:6,625,356, plus strand): 5'-GCAGCTGCAGCTGGTAGCGGTCACACTGCTCAAAGTCCAGGGGCCCCGTGAGGGAGACAC[G>A]GCCTCCATAGCGGCCAACACTGAAGGGATCCTGGGGCCCAGATGGGCTTAGCACATACCA-3'
Protein context (NP_003728.1, residues 2320-2340): DPFSVGRYGG[Arg2330Cys]VSLTGPLDFE

ClinVar aggregate classification (germline): Pathogenic/Likely pathogenic. Review status: criteria provided, multiple submitters, no conflicts (2 of 4 stars). 8 submissions from 8 submitters: Pathogenic (1); Likely pathogenic (3). 4 of the submissions do not count toward it. Last evaluated 2025-09-21.

Conditions:
Mitral valve prolapse, myxomatous 2. Also called: Mitral valve prolapse 2; MMVP2. Identifiers: MedGen C1843003, MONDO:0011915, OMIM 607829.

Allele frequency attached by ClinVar (database versions not stated): ExAC 0.00002; TOPMed 0.00002; gnomAD exomes 0.00002 and 0.00003; gnomAD 0.00003.
gnomAD v4.1: 54 of 1,613,582 alleles (0.0033%); highest among the groups gnomAD compares: Admixed American, 0.005%; no homozygotes.

Submissions (8):

Labcorp Genetics (formerly Invitae), Labcorp
Classification: Pathogenic. Last evaluated: 2025-09-21. Review status: criteria provided, single submitter. Criteria: Invitae Variant Classification Sherloc (09022015). Collection method: clinical testing. Allele origin: germline.
Comment: This sequence change replaces arginine, which is basic and polar, with cysteine, which is neutral and slightly polar, at codon 2330 of the DCHS1 protein (p.Arg2330Cys). This variant is present in population databases (rs768737101, gnomAD 0.005%). This missense change has been observed in individual(s) with autosomal dominant mitral valve prolapse (PMID: 26258302). It has also been observed to segregate with disease in related individuals. ClinVar contains an entry for this variant (Variation ID: 217871). Invitae Evidence Modeling of protein sequence and biophysical properties (such as structural, functional, and spatial information, amino acid conservation, physicochemical variation, residue mobility, and thermodynamic stability) indicates that this missense variant is not expected to disrupt DCHS1 protein function with a negative predictive value of 80%. For these reasons, this variant has been classified as Pathogenic.

Dasa
Classification: Likely pathogenic. Last evaluated: 2025-07-28. Review status: criteria provided, single submitter. Criteria: DASA Assertion Criteria. Collection method: clinical testing. Allele origin: germline.
Comment: NM_003737.4(DCHS1):c.6988C>T (p.Arg2330Cys) is a missense variant that results in the substitution of arginine with cysteine. This variant has been reported in individuals with DCHS1-related disorders (PMID: 26258302). Segregation data support an association with disease in the reported family/families (PMID: 26258302). Functional evidence supports an impact on the gene or gene product. Also, this variant is rare in population databases. Based on the currently available evidence, this variant is classified as likely pathogenic.

Clinical Genetics Laboratory, Skane University Hospital Lund
Classification: Likely pathogenic. Last evaluated: 2024-02-05. Review status: criteria provided, single submitter. Criteria: ACMG Guidelines, 2015. Collection method: clinical testing. Allele origin: germline. Affected: yes.

Genetics and Genomic Medicine Centre, NeuroGen Healthcare, NeuroGen Healthcare
Classification: Likely pathogenic for Mitral valve prolapse, myxomatous 2. Last evaluated: 2022-09-01. Review status: criteria provided, single submitter. Criteria: Submitter's publication. Collection method: clinical testing. Allele origin: unknown. Affected: no.

OMIM
Classification: Pathogenic for MITRAL VALVE PROLAPSE 2. Last evaluated: 2015-09-03. Review status: no assertion criteria provided. Collection method: literature only. Allele origin: germline. Not counted in ClinVar's aggregate classification.

Clinical Genetics DNA and cytogenetics Diagnostics Lab, Erasmus MC, Erasmus Medical Center
Classification: Likely pathogenic. Review status: no assertion criteria provided. Collection method: clinical testing. Allele origin: germline. Affected: yes. Study: VKGL Data-share Consensus. Not counted in ClinVar's aggregate classification.

Department of Pathology and Laboratory Medicine, Sinai Health System
Classification: Likely pathogenic. Review status: no assertion criteria provided. Collection method: clinical testing. Allele origin: unknown. Affected: yes. Study: The Canadian Open Genetics Repository (COGR). Not counted in ClinVar's aggregate classification.
Comment: The DCHS1 p.R2330C variant was identified in the literature to segregate with disease in seven individuals with mitral valve prolapse from two families. Individuals with this variant in both families had mild to severe mitral valve prolapse phenotypes; The variant was identified in dbSNP (ID: rs768737101) and ClinVar (reported as pathogenic by OMIM). The variant was identified in control databases in 7 of 281266 chromosomes at a frequency of 0.00002489 (Genome Aggregation Database March 6, 2019, v2.1.1). The variant was observed in the following populations: European (non-Finnish) in 6 of 127984 chromosomes (freq: 0.000047) and South Asian in 1 of 30584 chromosomes (freq: 0.000033), but was not observed in the African, Latino, Ashkenazi Jewish, East Asian, European (Finnish), or Other populations. The p.R2330 residue is conserved in mammals and computational analyses (PolyPhen-2, SIFT, AlignGVGD, BLOSUM, MutationTaster) provide inconsistent predictions regarding the impact to the protein; this information is not very predictive of pathogenicity. The variant occurs outside of the splicing consensus sequence and in silico or computational prediction software programs (SpliceSiteFinder, MaxEntScan, NNSPLICE, GeneSplicer) do not predict a difference in splicing. Functional data in mitral valve interstitial cells demonstrated a significant reduction in protein half-life with this variant compared to wildtype. Furthermore, an in vitro mice study of mitral valve interstitial cells from a mitral valve prolapse proband showed an abnormal cell migration pattern, providing support for this variant's pathogenicity (Durst_2015_PMID:26258302). In summary, based on the above information the clinical significance of this variant cannot be determined with certainty at this time although we would lean towards a more pathogenic role for this variant. This variant is classified as likely pathogenic.

Joint Genome Diagnostic Labs from Nijmegen and Maastricht, Radboudumc and MUMC+
Classification: Likely pathogenic. Review status: no assertion criteria provided. Collection method: clinical testing. Allele origin: germline. Affected: yes. Study: VKGL Data-share Consensus. Not counted in ClinVar's aggregate classification.

Literature cited by the submitters: PubMed 26258302 (cited by 3 submitters).